The following is an entry in ClinVar:

ClinVar aggregate classification (germline): Uncertain significance (1 of 4 stars; one submission).

Submission:

Labcorp Genetics (formerly Invitae), Labcorp
Classification: Uncertain significance. Last evaluated: 2023-06-19. Review status: criteria provided, single submitter. Criteria: Invitae Variant Classification Sherloc (09022015). Collection method: clinical testing. Allele origin: germline.
Comment: In summary, the available evidence is currently insufficient to determine the role of this variant in disease. Therefore, it has been classified as a Variant of Uncertain Significance. Experimental studies and prediction algorithms are not available or were not evaluated, and the functional significance of this variant is currently unknown. This variant has not been reported in the literature in individuals affected with PCLO-related conditions. This variant is not present in population databases (gnomAD no frequency). This sequence change replaces threonine, which is neutral and polar, with serine, which is neutral and polar, at codon 2480 of the PCLO protein (p.Thr2480Ser).

NM_033026.6(PCLO):c.7438A>T (p.Thr2480Ser)

Gene: PCLO (piccolo presynaptic cytomatrix protein; minus strand). Cytogenetic location: 7q21.11.
Variant type: single nucleotide variant.
Coding change: c.7438A>T on transcript NM_033026.6 (MANE Select); coding-DNA position 7438, A replaced by T.
Protein change: p.Thr2480Ser; replaces threonine 2480 with serine.
Molecular consequence: missense variant.
Genome position (GRCh38, 1-based): chr7:82,953,515, T>A on the plus strand (A>T on the coding strand, the complement: PCLO is on the minus strand). VCF-style: chr7-82953515-T-A. GRCh37 (hg19) VCF-style: chr7-82582831-T-A.
Other names: c.7438A>T, p.Thr2480Ser (NM_014510.3); short protein forms T2480S.
Identifiers: ClinVar variation 2718909 (VCV002718909.1), dbSNP rs2535695165, ClinGen allele CA367917010.